The following is an entry in ClinVar:

ClinVar aggregate classification (germline): Benign (1 of 4 stars; one submission).

Allele frequency attached by ClinVar (database versions not stated): gnomAD 0.31018 and 0.31933; TOPMed 0.33789; 1000 Genomes Project 30x 0.43364; 1000 Genomes Project 0.44429.
gnomAD v4.1: 48,444 of 151,932 alleles (32%); highest among the groups gnomAD compares: East Asian, 83%; 8,801 homozygotes.

Submission:

GeneDx
Classification: Benign. Last evaluated: 2018-06-14. Review status: criteria provided, single submitter. Criteria: GeneDx Variant Classification (06012015). Collection method: clinical testing. Allele origin: germline. Affected: yes.
Comment: This variant is considered likely benign or benign based on one or more of the following criteria: it is a conservative change, it occurs at a poorly conserved position in the protein, it is predicted to be benign by multiple in silico algorithms, and/or has population frequency not consistent with disease.

NM_001482.3(GATM):c.288+234A>G

Gene: GATM (glycine amidinotransferase; minus strand). Cytogenetic location: 15q21.1.
Variant type: single nucleotide variant.
Coding change: c.288+234A>G on transcript NM_001482.3 (MANE Select); 234 bases into the intron after coding-DNA position 288, A replaced by G.
Molecular consequence: intron variant.
Genome position (GRCh38, 1-based): chr15:45,376,367, T>C on the plus strand (A>G on the coding strand, the complement: GATM is on the minus strand). VCF-style: chr15-45376367-T-C. GRCh37 (hg19) VCF-style: chr15-45668565-T-C.
Other names: c.-100+234A>G (NM_001321015.2).
Identifiers: ClinVar variation 680744 (VCV000680744.1), dbSNP rs7494956, ClinGen allele CA14169907.